The following is an entry in ClinVar:

ClinVar aggregate classification (germline): Uncertain significance (1 of 4 stars; one submission).

Conditions:
Hereditary diffuse gastric adenocarcinoma (HDGC). Also called: DIFFUSE GASTRIC AND LOBULAR BREAST CANCER SYNDROME. Identifiers: Orphanet 26106, MedGen C1708349, MONDO:0007648, OMIM 137215.

Submission:

Labcorp Genetics (formerly Invitae), Labcorp
Classification: Uncertain significance for Hereditary diffuse gastric adenocarcinoma. Last evaluated: 2017-09-22. Review status: criteria provided, single submitter. Criteria: Invitae Variant Classification Sherloc (09022015). Collection method: clinical testing. Allele origin: germline.
Comment: This variant, c.142_159del, results in the deletion of 6 amino acids of the CDH1 protein (p.Gly49_Arg54del), but otherwise preserves the integrity of the reading frame. This variant is not present in population databases (ExAC no frequency). This variant has not been reported in the literature in individuals with CDH1-related disease. Experimental studies and prediction algorithms are not available for this variant, and the functional significance of the deleted amino acids is currently unknown. In summary, the available evidence is currently insufficient to determine the role of this variant in disease. Therefore, it has been classified as a Variant of Uncertain Significance.

NM_004360.5(CDH1):c.147_163+1del

Gene: CDH1 (cadherin 1; plus strand). Cytogenetic location: 16q22.1.
Variant type: Deletion.
Coding change: c.147_163+1del on transcript NM_004360.5 (MANE Select); coding-DNA position 147 through the canonical splice donor site of the intron after coding-DNA position 163, 18 bases deleted (CCGCGTCCTGGGCAGAGG).
Molecular consequence: splice donor variant.
Genome position (GRCh38, 1-based): chr16:68,738,395-68,738,412, CCGCGTCCTGGGCAGAGG deleted; deleting any 18 consecutive bases within chr16:68,738,390-68,738,412 gives the same sequence; the c. name uses the placement nearest the transcript's 3' end. VCF-style (leftmost placement, unchanged base first): chr16-68738389-GAGAGGCCGCGTCCTGGGC-G. GRCh37 (hg19) VCF-style: chr16-68772292-GAGAGGCCGCGTCCTGGGC-G.
Other names: c.146_163del (LRG_301t1); c.-1469_-1453+1del (NM_001317185.2); c.-1673_-1657+1del (NM_001317186.2); c.147_163+1del (NM_001317184.2).
Identifiers: ClinVar variation 532440 (VCV000532440.7), dbSNP rs1555509779, ClinGen allele CA658798617.